The following is an entry in ClinVar:

ClinVar aggregate classification (germline): Uncertain significance (1 of 4 stars; one submission).

Conditions:
ARID1B-Related Disorder. Identifiers: MedGen CN381337.

Submission:

PreventionGenetics, part of Exact Sciences
Classification: Uncertain significance for ARID1B-related condition. Last evaluated: 2024-12-22. Review status: criteria provided, single submitter. Criteria: ACMG Guidelines, 2015. Collection method: clinical testing. Allele origin: germline.
Comment: The ARID1B c.5308G>C variant is predicted to result in the amino acid substitution p.Ala1770Pro. To our knowledge, this variant has not been reported in the literature or in a large population database (gnomAD), indicating this variant is rare. At this time, the clinical significance of this variant is uncertain due to the absence of conclusive functional and genetic evidence.

NM_001374828.1(ARID1B):c.5677G>C (p.Ala1893Pro)

Gene: ARID1B (AT-rich interaction domain 1B; plus strand). Cytogenetic location: 6q25.3.
Variant type: single nucleotide variant.
Coding change: c.5677G>C on transcript NM_001374828.1 (MANE Select); coding-DNA position 5677, G replaced by C.
Protein change: p.Ala1893Pro; replaces alanine 1893 with proline.
Molecular consequence: missense variant.
Genome position (GRCh38, 1-based): chr6:157,206,449, G>C. VCF-style: chr6-157206449-G-C. GRCh37 (hg19) VCF-style: chr6-157527583-G-C.
Other names: c.5308G>C (NM_020732.3); c.3178G>C, p.Ala1060Pro (NM_001363725.2); c.5557G>C, p.Ala1853Pro (NM_001371656.1, NM_001374820.1); c.5806G>C, p.Ala1936Pro (NM_001438482.1); c.5719G>C, p.Ala1907Pro (NM_001438483.1); c.5587G>C, p.Ala1863Pro (NM_001438485.1); c.5560G>C, p.Ala1854Pro (NM_001438486.1); c.5497G>C, p.Ala1833Pro (NM_001438487.1); and 2 more; short protein forms A1936P, A1840P, A1854P, A1007P, A1060P, A1833P, A1863P, A1853P.
Identifiers: ClinVar variation 5000374 (VCV005000374.1).